The following is an entry in ClinVar:

NM_007294.4(BRCA1):c.1288_1289insC (p.Asp430fs)

Gene: BRCA1 (BRCA1 DNA repair associated; minus strand). Cytogenetic location: 17q21.31.
Variant type: Insertion.
Coding change: c.1288_1289insC on transcript NM_007294.4 (MANE Select); coding-DNA positions 1288 to 1289, C inserted.
Protein change: p.Asp430fs; shifts the reading frame from aspartic acid 430.
Molecular consequence: frameshift variant. On other transcripts: intron variant (137).
Genome position: GRCh38 VCF-style: chr17-43094242-T-TG. GRCh37 (hg19) VCF-style: chr17-41246259-T-TG.
Other names: c.1288_1289insC, p.Asp430fs (NM_001407603.1, NM_001407605.1, NM_001407616.1 and 30 more transcripts); c.1285_1286insC, p.Asp429fs (NM_001407610.1, NM_001407611.1, NM_001407612.1 and 22 more transcripts); c.1279_1280insC, p.Asp427fs (NM_001407646.1, NM_001407647.1); c.1165_1166insC, p.Asp389fs (NM_001407648.1, NM_001407665.1, NM_001407666.1 and 19 more transcripts); c.1162_1163insC, p.Asp388fs (NM_001407649.1, NM_001407670.1, NM_001407671.1 and 11 more transcripts); c.1210_1211insC, p.Asp404fs (NM_001407653.1, NM_001407654.1, NM_001407655.1 and 4 more transcripts); c.1147_1148insC, p.Asp383fs (NM_001407692.1, NM_001407727.1, NM_001407728.1 and 29 more transcripts); c.1144_1145insC, p.Asp382fs (NM_001407745.1, NM_001407746.1, NM_001407747.1 and 20 more transcripts); and 40 more; short protein forms D383fs, D430fs, D360fs, D388fs, D389fs, D134fs, D342fs, D359fs.
Identifiers: ClinVar variation 548177 (VCV000548177.2), dbSNP rs1555591993, ClinGen allele CA658824530.

ClinVar aggregate classification (germline): Pathogenic (3 of 4 stars; one submission).

Conditions:
Breast-ovarian cancer, familial, susceptibility to, 1 (BROVCA1). Also called: BRCA1 Hereditary Breast and Ovarian Cancer; OVARIAN CANCER, SUSCEPTIBILITY TO. Identifiers: Orphanet 145, MedGen C2676676, MONDO:0011450, OMIM 604370. Disease mechanism: loss of function.

Submission:

Evidence-based Network for the Interpretation of Germline Mutant Alleles (ENIGMA)
Classification: Pathogenic for Breast-ovarian cancer, familial, susceptibility to, 1. Last evaluated: 2017-12-15. Review status: reviewed by expert panel. Criteria: ENIGMA BRCA1/2 Classification Criteria (2017-06-29). Collection method: curation. Allele origin: germline. Study: ENIGMA.
Comment: Variant allele predicted to encode a truncated non-functional protein.